The following is an entry in ClinVar:

ClinVar aggregate classification (germline): Uncertain significance (1 of 4 stars; one submission).

Conditions:
Brugada syndrome 8 (BRGDA8). Identifiers: Orphanet 130, MedGen C2751083, MONDO:0013148, OMIM 613123.

Submission:

Labcorp Genetics (formerly Invitae), Labcorp
Classification: Uncertain significance for Brugada syndrome 8. Last evaluated: 2024-02-07. Review status: criteria provided, single submitter. Criteria: Invitae Variant Classification Sherloc (09022015). Collection method: clinical testing. Allele origin: germline.
Comment: This sequence change replaces serine, which is neutral and polar, with glycine, which is neutral and non-polar, at codon 641 of the HCN4 protein (p.Ser641Gly). This variant is not present in population databases (gnomAD no frequency). This variant has not been reported in the literature in individuals affected with HCN4-related conditions. Experimental studies and prediction algorithms are not available or were not evaluated, and the functional significance of this variant is currently unknown. In summary, the available evidence is currently insufficient to determine the role of this variant in disease. Therefore, it has been classified as a Variant of Uncertain Significance.

NM_005477.3(HCN4):c.1921A>G (p.Ser641Gly)

Gene: HCN4 (hyperpolarization activated cyclic nucleotide gated potassium channel 4; minus strand). Cytogenetic location: 15q24.1.
Variant type: single nucleotide variant.
Coding change: c.1921A>G on transcript NM_005477.3 (MANE Select); coding-DNA position 1921, A replaced by G.
Protein change: p.Ser641Gly; replaces serine 641 with glycine.
Molecular consequence: missense variant.
Genome position (GRCh38, 1-based): chr15:73,325,012, T>C on the plus strand (A>G on the coding strand, the complement: HCN4 is on the minus strand). VCF-style: chr15-73325012-T-C. GRCh37 (hg19) VCF-style: chr15-73617353-T-C.
Other names: short protein forms S641G.
Identifiers: ClinVar variation 3639605 (VCV003639605.2).